The following is an entry in ClinVar:

ClinVar aggregate classification (germline): Uncertain significance (1 of 4 stars; one submission).

Conditions:
Familial infantile myasthenia (CMS6). Also called: MYASTHENIC SYNDROME, CONGENITAL, 6, PRESYNAPTIC; MYASTHENIC SYNDROME, PRESYNAPTIC, CONGENITAL, ASSOCIATED WITH EPISODIC APNEA; Congenital myasthenic syndrome type 6. Identifiers: Orphanet 590, MedGen C0393929, MONDO:0009689, OMIM 254210.

Submission:

Labcorp Genetics (formerly Invitae), Labcorp
Classification: Uncertain significance for Familial infantile myasthenia. Last evaluated: 2025-11-08. Review status: criteria provided, single submitter. Criteria: Invitae Variant Classification Sherloc (09022015). Collection method: clinical testing. Allele origin: germline.
Comment: This sequence change replaces lysine, which is basic and polar, with asparagine, which is neutral and polar, at codon 706 of the CHAT protein (p.Lys706Asn). This variant is not present in population databases (gnomAD no frequency). This variant has not been reported in the literature in individuals affected with CHAT-related conditions. Invitae Evidence Modeling of protein sequence and biophysical properties (such as structural, functional, and spatial information, amino acid conservation, physicochemical variation, residue mobility, and thermodynamic stability) indicates that this missense variant is not expected to disrupt CHAT protein function with a negative predictive value of 95%. In summary, the available evidence is currently insufficient to determine the role of this variant in disease. Therefore, it has been classified as a Variant of Uncertain Significance.

NM_020549.5(CHAT):c.2118G>C (p.Lys706Asn)

Gene: CHAT (choline O-acetyltransferase; plus strand). Cytogenetic location: 10q11.23.
Variant type: single nucleotide variant.
Coding change: c.2118G>C on transcript NM_020549.5 (MANE Select); coding-DNA position 2118, G replaced by C.
Protein change: p.Lys706Asn; replaces lysine 706 with asparagine.
Molecular consequence: missense variant.
Genome position (GRCh38, 1-based): chr10:49,664,917, G>C. VCF-style: chr10-49664917-G-C. GRCh37 (hg19) VCF-style: chr10-50872963-G-C.
Other names: c.1764G>C, p.Lys588Asn (NM_001142934.2, NM_001142929.2, NM_020984.4 and 2 more transcripts); c.1872G>C, p.Lys624Asn (NM_001142933.2); short protein forms K588N, K624N, K706N.
Identifiers: ClinVar variation 4802618 (VCV004802618.1).
Genomic context (GRCh38, chr10:49,664,917, plus strand): 5'-AGAGACCATCCTTTTCTGCATCTCTAGCTTTCACAGCTGCAAAGAGACTTCTTCTAGCAA[G>C]TTTGCAAAAGCTGTGGAAGAAAGCCTCATTGACATGAGAGACCTCTGCAGTCTGCTGCCG-3'
Protein context (NP_065574.4, residues 696-716): FHSCKETSSS[Lys706Asn]FAKAVEESLI